The following is an entry in ClinVar:

ClinVar aggregate classification (germline): Uncertain significance (0 of 4 stars; one submission).

Conditions:
Autism (AUTS). Also called: Autistic disorder of childhood onset; Autistic disorder. Identifiers: MedGen C0004352, MeSH D001321, MONDO:0005260, OMIM 209850, HP:0000717.

gnomAD v4.1: 7 of 1,603,738 alleles (0.00044%); highest among the groups gnomAD compares: East Asian, 0.0022%; no homozygotes.

Submission:

Centre for Addiction & Mental Health
Classification: Uncertain significance for Autism. Review status: no assertion criteria provided. Collection method: research. Allele origin: biparental. Affected: yes. Observed: 1 homozygote. Segregation with disease observed.
Comment: Gene not previously associated with disease; independent supportng evidence needed

NM_145294.5(WDR90):c.4489C>T (p.Arg1497Trp)

Gene: WDR90 (WD repeat domain 90; plus strand). Cytogenetic location: 16p13.3.
Variant type: single nucleotide variant.
Coding change: c.4489C>T on transcript NM_145294.5 (MANE Select); coding-DNA position 4489, C replaced by T.
Protein change: p.Arg1497Trp; replaces arginine 1497 with tryptophan.
Molecular consequence: missense variant.
Genome position (GRCh38, 1-based): chr16:666,004, C>T. VCF-style: chr16-666004-C-T. GRCh37 (hg19) VCF-style: chr16-716004-C-T.
Other names: short protein forms R1497W.
Identifiers: ClinVar variation 3338188 (VCV003338188.2).